The following is an entry in ClinVar:

NM_001365536.1(SCN9A):c.3447T>G (p.Asp1149Glu)

Genes: SCN9A (sodium voltage-gated channel alpha subunit 9; minus strand), SCN1A-AS1 (SCN1A and SCN9A antisense RNA 1; plus strand). Cytogenetic location: 2q24.3.
Variant type: single nucleotide variant.
Coding change: c.3447T>G on transcript NM_001365536.1 (MANE Select); coding-DNA position 3447, T replaced by G.
Protein change: p.Asp1149Glu; replaces aspartic acid 1149 with glutamic acid.
Molecular consequence: missense variant. On other transcripts: non-coding transcript variant (1).
Genome position (GRCh38, 1-based): chr2:166,251,790, A>C on the plus strand (T>G on the coding strand, the complement: SCN9A is on the minus strand). VCF-style: chr2-166251790-A-C. GRCh37 (hg19) VCF-style: chr2-167108300-A-C.
Other names: c.3414T>G, p.Asp1138Glu (NM_002977.4); short protein forms D1149E, D1138E.
Identifiers: ClinVar variation 2151077 (VCV002151077.4), dbSNP rs371881989, ClinGen allele CA1944059.

ClinVar aggregate classification (germline): Uncertain significance (1 of 4 stars; one submission).

Conditions:
Generalized epilepsy with febrile seizures plus, type 7 (GEFSP7). Also called: GEFS+, TYPE 7. Identifiers: Orphanet 36387, MedGen C2751778, MONDO:0013470, OMIM 613863.
Neuropathy, hereditary sensory and autonomic, type 2A (HSAN2A). Also called: HSAN IIA; ACROOSTEOLYSIS, GIACCAI TYPE; ACROOSTEOLYSIS, NEUROGENIC; WNK1-Related HSAN2 (HSAN2A); MORVAN DISEASE; NEUROPATHY, CONGENITAL SENSORY. Identifiers: Orphanet 970, MedGen C2752089, MONDO:0024309, OMIM 201300.

Allele frequency attached by ClinVar (database versions not stated): TOPMed below 0.00001; gnomAD exomes 0.00001; ExAC 0.00002; ESP Exome Variant Server 0.00008.
gnomAD v4.1: 7 of 1,612,674 alleles (0.00043%); highest among the groups gnomAD compares: Non-Finnish European, 0.00059%; no homozygotes.

Submission:

Labcorp Genetics (formerly Invitae), Labcorp
Classification: Uncertain significance for Neuropathy, hereditary sensory and autonomic, type 2A; Generalized epilepsy with febrile seizures plus, type 7. Last evaluated: 2022-09-23. Review status: criteria provided, single submitter. Criteria: Invitae Variant Classification Sherloc (09022015). Collection method: clinical testing. Allele origin: germline.
Comment: In summary, the available evidence is currently insufficient to determine the role of this variant in disease. Therefore, it has been classified as a Variant of Uncertain Significance. Advanced modeling of protein sequence and biophysical properties (such as structural, functional, and spatial information, amino acid conservation, physicochemical variation, residue mobility, and thermodynamic stability) performed at Invitae indicates that this missense variant is not expected to disrupt SCN9A protein function. This missense change has been observed in individual(s) with small fiber polyneuropathy (PMID: 32719824). This variant is present in population databases (rs371881989, gnomAD 0.002%). This sequence change replaces aspartic acid, which is acidic and polar, with glutamic acid, which is acidic and polar, at codon 1138 of the SCN9A protein (p.Asp1138Glu).

Literature cited by the submitters: PubMed 32719824.